The following is an entry in ClinVar:

ClinVar aggregate classification (germline): Likely pathogenic (1 of 4 stars; one submission).

Conditions:
Cardiovascular phenotype. Identifiers: MedGen CN230736.

Submission:

Ambry Genetics
Classification: Likely pathogenic for Cardiovascular phenotype. Last evaluated: 2023-10-10. Review status: criteria provided, single submitter. Criteria: Ambry Variant Classification Scheme 2023. Collection method: clinical testing. Allele origin: germline.
Comment: The c.43981dupA variant, located in coding exon 153 of the TTN gene, results from a duplication of A at nucleotide position 43981, causing a translational frameshift with a predicted alternate stop codon (p.I14661Nfs*12). This exon is located in the A-band region of the N2-B isoform of the titin protein and is constitutively expressed in TTN transcripts (percent spliced in or PSI 100%). This variant is considered to be rare based on population cohorts in the Genome Aggregation Database (gnomAD). This alteration is expected to result in loss of function by premature protein truncation or nonsense-mediated mRNA decay. While truncating variants in TTN are present in 1-3% of the general population, truncating variants in the A-band are the most common cause of dilated cardiomyopathy (DCM) (Herman DS et al. N. Engl. J. Med., 2012 Feb;366:619-28; Roberts AM et al. Sci Transl Med, 2015 Jan;7:270ra6). TTN truncating variants encoded in constitutive exons (PSI >90%) have been found to be significantly associated with DCM regardless of their position in titin (Schafer S et al. Nat. Genet., 2017 01;49:46-53). Based on the majority of available evidence to date, this variant is likely to be pathogenic.

NM_001267550.2(TTN):c.71176dup (p.Ile23726fs)

Genes: TTN (titin; minus strand), TTN-AS1 (TTN antisense RNA 1; plus strand). Cytogenetic location: 2q31.2.
Variant type: Duplication.
Coding change: c.71176dup on transcript NM_001267550.2 (MANE Select); coding-DNA position 71176, one base duplicated (A; older notation c.71176dupA).
Protein change: p.Ile23726fs; shifts the reading frame from isoleucine 23726.
Molecular consequence: frameshift variant.
Genome position (GRCh38, 1-based): chr2:178,574,956, T duplicated on the plus strand (A on the coding strand, the reverse complement: TTN is on the minus strand). VCF-style (leftmost placement, unchanged base first): chr2-178574955-A-AT. GRCh37 (hg19) VCF-style: chr2-179439682-A-AT.
Other names: c.66253dup, p.Ile22085fs (NM_001256850.1); c.43981dup, p.Ile14661fs (NM_003319.4); c.63472dup, p.Ile21158fs (NM_133378.4); c.44356dup, p.Ile14786fs (NM_133432.3); c.44557dup, p.Ile14853fs (NM_133437.4); c.43981dupA (NM_003319.4); short protein forms I14661fs, I14786fs, I14853fs, I21158fs, I22085fs, I23726fs.
Identifiers: ClinVar variation 3223274 (VCV003223274.1), dbSNP rs2468654445, ClinGen allele CA2825001025.